The following is an entry in ClinVar:

NM_013435.3(RAX):c.*294C>T

Gene: RAX (retina and anterior neural fold homeobox; minus strand). Cytogenetic location: 18q21.32.
Variant type: single nucleotide variant.
Coding change: c.*294C>T on transcript NM_013435.3 (MANE Select); 294 bases downstream of the stop codon, C replaced by T.
Molecular consequence: 3 prime UTR variant.
Genome position (GRCh38, 1-based): chr18:59,268,710, G>A on the plus strand (C>T on the coding strand, the complement: RAX is on the minus strand). VCF-style: chr18-59268710-G-A. GRCh37 (hg19) VCF-style: chr18-56935942-G-A.
Identifiers: ClinVar variation 889800 (VCV000889800.4), dbSNP rs147759267, ClinGen allele CA300980718.

ClinVar aggregate classification (germline): Benign (1 of 4 stars; one submission).

Conditions:
Isolated microphthalmia 3 (MCOPS16). Also called: MICROPHTHALMIA, SYNDROMIC 16. Identifiers: Orphanet 2542, MedGen C5774181, MONDO:0012604, OMIM 611038.

Allele frequency attached by ClinVar (database versions not stated): TOPMed 0.00198; 1000 Genomes Project 30x 0.00375; 1000 Genomes Project 0.00419.
gnomAD v4.1: 619 of 546,774 alleles (0.11%); highest among the groups gnomAD compares: East Asian, 1.9%; 8 homozygotes.

Submission:

Illumina Laboratory Services, Illumina
Classification: Benign for Isolated microphthalmia 3. Last evaluated: 2017-04-27. Review status: criteria provided, single submitter. Criteria: ICSL Variant Classification Criteria 13 December 2019. Collection method: clinical testing. Allele origin: germline.
Comment: This variant was observed as part of a predisposition screen in an ostensibly healthy population. A literature search was performed for the gene, cDNA change, and amino acid change (where applicable). No publications were found based on this search. Allele frequency data from public databases was too high to be consistent with this variant causing disease. Therefore, this variant is classified as benign.